The following is an entry in ClinVar:

NM_018486.3(HDAC8):c.720T>G (p.Tyr240Ter)

Gene: HDAC8 (histone deacetylase 8; minus strand). Cytogenetic location: Xq13.1.
Variant type: single nucleotide variant.
Coding change: c.720T>G on transcript NM_018486.3 (MANE Select); coding-DNA position 720, T replaced by G.
Protein change: p.Tyr240Ter; replaces tyrosine 240 with a stop codon.
Molecular consequence: nonsense. On other transcripts: non-coding transcript variant (1).
Genome position (GRCh38, 1-based): chrX:72,488,950, A>C on the plus strand (T>G on the coding strand, the complement: HDAC8 is on the minus strand). VCF-style: chrX-72488950-A-C. GRCh37 (hg19) VCF-style: chrX-71708800-A-C.
Other names: c.447T>G, p.Tyr149Ter (NM_001166418.2); c.720T>G, p.Tyr240Ter (NM_001166419.2); c.369T>G, p.Tyr123Ter (NM_001166448.2); short protein forms Y123*, Y149*, Y240*.
Identifiers: ClinVar variation 928844 (VCV000928844.1), dbSNP rs2048769063, ClinGen allele CA413638917.

ClinVar aggregate classification (germline): Likely pathogenic (1 of 4 stars; one submission).

Conditions:
Cornelia de Lange syndrome 5 (CDLS5). Also called: HDAC8-Related Cornelia de Lange Syndrome. Identifiers: Orphanet 199, MedGen C3550903, MONDO:0010471, OMIM 300882.

Submission:

Women's Health and Genetics/Laboratory Corporation of America, LabCorp
Classification: Likely pathogenic for Cornelia de Lange syndrome 5. Last evaluated: 2019-02-20. Review status: criteria provided, single submitter. Criteria: LabCorp Variant Classification Summary - May 2015. Collection method: clinical testing. Allele origin: germline.
Comment: Variant summary: HDAC8 c.720T>G (p.Tyr240X) results in a premature termination codon, predicted to cause a truncation of the encoded protein or absence of the protein due to nonsense mediated decay, which are commonly known mechanisms for disease. The variant was absent in 189853 control chromosomes (gnomAD). To our knowledge, no occurrence of c.720T>G in individuals affected with Cornelia de Lange syndrome 5 and no experimental evidence demonstrating its impact on protein function have been reported. No clinical diagnostic laboratories have submitted clinical-significance assessments for this variant to ClinVar after 2014. Based on the evidence outlined above, the variant was classified as likely pathogenic.